The following is an entry in ClinVar:

NM_000433.4(NCF2):c.338G>A (p.Gly113Glu)

Gene: NCF2 (neutrophil cytosolic factor 2; minus strand). Cytogenetic location: 1q25.3.
Variant type: single nucleotide variant.
Coding change: c.338G>A on transcript NM_000433.4 (MANE Select); coding-DNA position 338, G replaced by A.
Protein change: p.Gly113Glu; replaces glycine 113 with glutamic acid.
Molecular consequence: missense variant.
Genome position (GRCh38, 1-based): chr1:183,577,627, C>T on the plus strand (G>A on the coding strand, the complement: NCF2 is on the minus strand). VCF-style: chr1-183577627-C-T. GRCh37 (hg19) VCF-style: chr1-183546762-C-T.
Other names: c.338G>A, p.Gly113Glu (NM_001127651.3, NM_001190789.2, NM_001190794.2 and 1 more transcripts); short protein forms G113E.
Identifiers: ClinVar variation 2126562 (VCV002126562.1), dbSNP rs200286542, ClinGen allele CA1284998.

ClinVar aggregate classification (germline): Uncertain significance (1 of 4 stars; one submission).

Conditions:
Granulomatous disease, chronic, autosomal recessive, cytochrome b-positive, type 2. Also called: Chronic granulomatous disease due to deficiency of NCF-2; Chronic Granulomatous Disease, Autosomal Recessive, Cytochrome b-Positive, Type II; GRANULOMATOUS DISEASE, CHRONIC, AUTOSOMAL RECESSIVE, 2; CGD, AUTOSOMAL RECESSIVE CYTOCHROME b-POSITIVE, TYPE II; GRANULOMATOUS DISEASE, CHRONIC, DUE TO NCF2 DEFICIENCY. Identifiers: Orphanet 379, MedGen C1856245, MONDO:0009310, OMIM 233710.

Allele frequency attached by ClinVar (database versions not stated): gnomAD exomes below 0.00001; ExAC 0.00001; gnomAD 0.00001; 1000 Genomes Project 30x 0.00016; 1000 Genomes Project 0.00020.
gnomAD v4.1: 2 of 1,613,896 alleles (0.00012%); highest among the groups gnomAD compares: Non-Finnish European, 0.00017%; no homozygotes.

Submission:

Labcorp Genetics (formerly Invitae), Labcorp
Classification: Uncertain significance for Granulomatous disease, chronic, autosomal recessive, cytochrome b-positive, type 2. Last evaluated: 2022-04-15. Review status: criteria provided, single submitter. Criteria: Invitae Variant Classification Sherloc (09022015). Collection method: clinical testing. Allele origin: germline.
Comment: This sequence change replaces glycine, which is neutral and non-polar, with glutamic acid, which is acidic and polar, at codon 113 of the NCF2 protein (p.Gly113Glu). This variant is present in population databases (rs200286542, gnomAD 0.0009%). This variant has not been reported in the literature in individuals affected with NCF2-related conditions. Algorithms developed to predict the effect of missense changes on protein structure and function (SIFT, PolyPhen-2, Align-GVGD) all suggest that this variant is likely to be disruptive. In summary, the available evidence is currently insufficient to determine the role of this variant in disease. Therefore, it has been classified as a Variant of Uncertain Significance.